The following is an entry in ClinVar:

ClinVar aggregate classification (germline): Uncertain significance (1 of 4 stars; one submission).

Conditions:
Progressive myoclonic epilepsy type 5. Identifiers: Orphanet 402082, MedGen C5190799.

Submission:

Labcorp Genetics (formerly Invitae), Labcorp
Classification: Uncertain significance for Progressive myoclonic epilepsy type 5. Last evaluated: 2024-10-30. Review status: criteria provided, single submitter. Criteria: Invitae Variant Classification Sherloc (09022015). Collection method: clinical testing. Allele origin: germline.
Comment: This sequence change replaces arginine, which is basic and polar, with tryptophan, which is neutral and slightly polar, at codon 295 of the PRICKLE2 protein (p.Arg295Trp). This variant is not present in population databases (gnomAD no frequency). This missense change has been observed in individual(s) with epliepsy (PMID: 31069529). Invitae Evidence Modeling of protein sequence and biophysical properties (such as structural, functional, and spatial information, amino acid conservation, physicochemical variation, residue mobility, and thermodynamic stability) indicates that this missense variant is expected to disrupt PRICKLE2 protein function with a positive predictive value of 80%. In summary, the available evidence is currently insufficient to determine the role of this variant in disease. Therefore, it has been classified as a Variant of Uncertain Significance.

Literature cited by the submitters: PubMed 31069529.

NM_198859.4(PRICKLE2):c.883C>T (p.Arg295Trp)

Gene: PRICKLE2 (prickle planar cell polarity protein 2; minus strand). Cytogenetic location: 3p14.1.
Variant type: single nucleotide variant.
Coding change: c.883C>T on transcript NM_198859.4 (MANE Select); coding-DNA position 883, C replaced by T.
Protein change: p.Arg295Trp; replaces arginine 295 with tryptophan.
Molecular consequence: missense variant.
Genome position (GRCh38, 1-based): chr3:64,147,607, G>A on the plus strand (C>T on the coding strand, the complement: PRICKLE2 is on the minus strand). VCF-style: chr3-64147607-G-A. GRCh37 (hg19) VCF-style: chr3-64133283-G-A.
Other names: c.883C>T, p.Arg295Trp (NM_001370528.1); short protein forms R295W.
Identifiers: ClinVar variation 3627636 (VCV003627636.2).